The following is an entry in ClinVar:

ClinVar aggregate classification (germline): Conflicting classifications of pathogenicity. Review status: criteria provided, conflicting classifications (1 of 4 stars). 3 submissions from 3 submitters: Uncertain significance (1); Likely benign (1). 1 of the submissions does not count toward it. Last evaluated 2025-04-19.

Conditions:
Cardiovascular phenotype. Identifiers: MedGen CN230736.
LDB3-related disorder. Also called: LDB3-related condition.
Myofibrillar myopathy 4. Also called: Zaspopathy (type). Identifiers: Orphanet 98912, MedGen C4721886, MONDO:0012277, OMIM 609452.

Allele frequency attached by ClinVar (database versions not stated): gnomAD exomes below 0.00001; gnomAD 0.00001.
gnomAD v4.1: 3 of 1,613,404 alleles (0.00019%); highest among the groups gnomAD compares: African/African-American, 0.0013%; no homozygotes.

Submissions (3):

Ambry Genetics
Classification: Likely benign for Cardiovascular phenotype. Last evaluated: 2025-04-19. Review status: criteria provided, single submitter. Criteria: Ambry Variant Classification Scheme 2023. Collection method: clinical testing. Allele origin: germline.

Labcorp Genetics (formerly Invitae), Labcorp
Classification: Uncertain significance for Myofibrillar myopathy 4. Last evaluated: 2025-01-23. Review status: criteria provided, single submitter. Criteria: Invitae Variant Classification Sherloc (09022015). Collection method: clinical testing. Allele origin: germline.
Comment: The LDB3 gene has multiple clinically relevant transcripts. This variant occurs in alternate transcript NM_007078.3, and corresponds to NM_001080116.1:c.*33521T>C in the primary transcript. This sequence change affects codon 701 of the LDB3 mRNA. It is a 'silent' change, meaning that it does not change the encoded amino acid sequence of the LDB3 protein. This variant is not present in population databases (gnomAD no frequency). This variant has not been reported in the literature in individuals affected with LDB3-related conditions. Experimental studies and prediction algorithms are not available or were not evaluated, and the functional significance of this variant is currently unknown. In summary, the available evidence is currently insufficient to determine the role of this variant in disease. Therefore, it has been classified as a Variant of Uncertain Significance.

PreventionGenetics, part of Exact Sciences
Classification: Likely benign for LDB3-related condition. Last evaluated: 2021-11-04. Review status: no assertion criteria provided. Collection method: clinical testing. Allele origin: germline. Not counted in ClinVar's aggregate classification.
Comment: This variant is classified as likely benign based on ACMG/AMP sequence variant interpretation guidelines (Richards et al. 2015 PMID: 25741868, with internal and published modifications).

NM_007078.3(LDB3):c.2103T>C (p.His701=)

Gene: LDB3 (LIM domain binding 3; plus strand). Cytogenetic location: 10q23.2.
Variant type: single nucleotide variant.
Coding change: c.2103T>C on transcript NM_007078.3 (MANE Select); coding-DNA position 2103, T replaced by C.
Protein change: p.His701=; no amino-acid change (histidine 701 retained).
Molecular consequence: synonymous variant.
Genome position (GRCh38, 1-based): chr10:86,732,895, T>C. VCF-style: chr10-86732895-T-C. GRCh37 (hg19) VCF-style: chr10-88492652-T-C.
Other names: c.1773T>C, p.His591= (NM_001080114.2); c.2118T>C, p.His706= (NM_001171610.2); c.1914T>C, p.His638= (NM_001368064.1, NM_001368065.1); c.1962T>C, p.His654= (NM_001368066.1).
Identifiers: ClinVar variation 3029213 (VCV003029213.5), dbSNP rs1279807211, ClinGen allele CA470309911.